The following is an entry in ClinVar:

ClinVar aggregate classification (germline): not provided (0 of 4 stars; one submission).

gnomAD v4.1: 1 of 1,395,190 alleles (0.000072%); highest among the groups gnomAD compares: Non-Finnish European, 0.000094%; no homozygotes.

Submission:

ITMI
No classification provided. Condition: AllHighlyPenetrant. Last evaluated: 2013-09-19. Review status: no classification provided. Collection method: reference population. Allele origin: germline.
Comment: Please see associated publication for description of ethnicities

Literature cited by the submitters: PubMed 24728327.

NM_000142.5(FGFR3):c.62C>A (p.Ser21Tyr)

Gene: FGFR3 (fibroblast growth factor receptor 3; plus strand). Cytogenetic location: 4p16.3.
Variant type: single nucleotide variant.
Coding change: c.62C>A on transcript NM_000142.5 (MANE Select); coding-DNA position 62, C replaced by A.
Protein change: p.Ser21Tyr; replaces serine 21 with tyrosine.
Molecular consequence: missense variant. On other transcripts: non-coding transcript variant (1).
Genome position (GRCh38, 1-based): chr4:1,793,996, C>A. VCF-style: chr4-1793996-C-A. GRCh37 (hg19) VCF-style: chr4-1795723-C-A.
Other names: c.62C>A, p.Ser21Tyr (NM_001163213.2, NM_001354809.2, NM_001354810.2 and 1 more transcripts); short protein forms S21Y.
Identifiers: ClinVar variation 134394 (VCV000134394.1), dbSNP rs587778351, ClinGen allele CA159679.